The following is an entry in ClinVar:

ClinVar aggregate classification (germline): Uncertain significance. Review status: criteria provided, multiple submitters, no conflicts (2 of 4 stars). 3 submissions from 3 submitters: Uncertain significance (3). Last evaluated 2025-06-16.

Conditions:
Neurodevelopmental disorder with infantile epileptic spasms. Identifiers: MedGen C5543538, MONDO:0859162, OMIM 619373.

Allele frequency attached by ClinVar (database versions not stated): gnomAD exomes 0.00001; TOPMed 0.00004; gnomAD 0.00005.
gnomAD v4.1: 24 of 1,613,422 alleles (0.0015%); highest among the groups gnomAD compares: Middle Eastern, 0.016%; no homozygotes.

Submissions (3):

Genetics Department, Catlab
Classification: Uncertain significance for Neurodevelopmental disorder with infantile epileptic spasms. Last evaluated: 2025-06-16. Review status: criteria provided, single submitter. Criteria: ACMG Guidelines, 2015. Collection method: clinical testing. Allele origin: germline. Affected: yes. Observed: 1 variant allele.
Comment: The c.490G>A missense variant alters the protein at position 164, changing the glycine at that position to serine. This change is extremely rare in gnomAD v4.1 (AF=0.0000148) (PM2_moderate) and has not been previously described in patients. The REVEL score associated to the variant is 0.16 (BP4_supporting). With all the available evidence, the variant is classified as of uncertain significance.

Ambry Genetics
Classification: Uncertain significance. Last evaluated: 2023-05-17. Review status: criteria provided, single submitter. Criteria: Ambry Variant Classification Scheme 2023. Collection method: clinical testing. Allele origin: germline.

Revvity Omics, Revvity
Classification: Uncertain significance for Neurodevelopmental disorder with infantile epileptic spasms. Last evaluated: 2022-06-14. Review status: criteria provided, single submitter. Criteria: ACMG Guidelines, 2015. Collection method: clinical testing. Allele origin: germline.

NM_014284.3(NCDN):c.490G>A (p.Gly164Ser)

Gene: NCDN (neurochondrin; plus strand). Cytogenetic location: 1p34.3.
Variant type: single nucleotide variant.
Coding change: c.490G>A on transcript NM_014284.3 (MANE Select); coding-DNA position 490, G replaced by A.
Protein change: p.Gly164Ser; replaces glycine 164 with serine.
Molecular consequence: missense variant.
Genome position (GRCh38, 1-based): chr1:35,560,641, G>A. VCF-style: chr1-35560641-G-A. GRCh37 (hg19) VCF-style: chr1-36026242-G-A.
Other names: c.490G>A, p.Gly164Ser (NM_001014839.2); c.439G>A, p.Gly147Ser (NM_001014841.2); c.490G>A (NM_014284.2); short protein forms G147S, G164S.
Identifiers: ClinVar variation 2434072 (VCV002434072.6), dbSNP rs1376202214, ClinGen allele CA339343512.